The following is an entry in ClinVar:

ClinVar aggregate classification (germline): Likely benign. Review status: criteria provided, single submitter (1 of 4 stars). 2 submissions from 2 submitters: Likely benign (1). 1 of the submissions does not count toward it. Last evaluated 2025-12-29.

Conditions:
Brachyolmia-amelogenesis imperfecta syndrome. Also called: PLATYSPONDYLY WITH AMELOGENESIS IMPERFECTA; Tooth agenesis, selective, 6; Dental anomalies and short stature. Identifiers: Orphanet 2899, MedGen C1832594, MONDO:0011018, OMIM 601216. Disease mechanism: loss of function.
LTBP3-related disorder. Also called: LTBP3-related condition.

Allele frequency attached by ClinVar (database versions not stated): gnomAD exomes 0.00010; TOPMed 0.00003; gnomAD 0.00030.

Submissions (2):

Labcorp Genetics (formerly Invitae), Labcorp
Classification: Likely benign for Brachyolmia-amelogenesis imperfecta syndrome. Last evaluated: 2025-12-29. Review status: criteria provided, single submitter. Criteria: Invitae Variant Classification Sherloc (09022015). Collection method: clinical testing. Allele origin: germline.

PreventionGenetics, part of Exact Sciences
Classification: Likely benign for LTBP3-related condition. Last evaluated: 2024-03-14. Review status: no assertion criteria provided. Collection method: clinical testing. Allele origin: germline. Not counted in ClinVar's aggregate classification.
Comment: This variant is classified as likely benign based on ACMG/AMP sequence variant interpretation guidelines (Richards et al. 2015 PMID: 25741868, with internal and published modifications).

NM_001130144.3(LTBP3):c.3262G>A (p.Asp1088Asn)

Genes: LTBP3 (latent transforming growth factor beta binding protein 3; minus strand), LOC121832793 (Sharpr-MPRA regulatory region 4001; plus strand). Cytogenetic location: 11q13.1.
Variant type: single nucleotide variant.
Coding change: c.3262G>A on transcript NM_001130144.3 (MANE Select); coding-DNA position 3262, G replaced by A.
Protein change: p.Asp1088Asn; replaces aspartic acid 1088 with asparagine.
Molecular consequence: missense variant. On other transcripts: intron variant (2).
Genome position (GRCh38, 1-based): chr11:65,540,136, C>T on the plus strand (G>A on the coding strand, the complement: LTBP3 is on the minus strand). VCF-style: chr11-65540136-C-T. GRCh37 (hg19) VCF-style: chr11-65307607-C-T.
Other names: c.3262G>A (NM_001130144.2); c.2893+109G>A (NM_001164266.1); c.3244+109G>A (NM_021070.4); short protein forms D1088N.
Identifiers: ClinVar variation 2028836 (VCV002028836.5), dbSNP rs955313410, ClinGen allele CA224009121.